The following is an entry in ClinVar:

ClinVar aggregate classification (germline): Uncertain significance. Review status: criteria provided, multiple submitters, no conflicts (2 of 4 stars). 9 submissions from 9 submitters: Uncertain significance (9). Last evaluated 2026-01-26.

Conditions:
Colorectal cancer, susceptibility to, 12 (CRCS12). Also called: COLORECTAL CANCER, SUSCEPTIBILITY TO, ON CHROMOSOME 12q24. Identifiers: Orphanet 220460, MedGen C3554460, MONDO:0014038, OMIM 615083.
Facial dysmorphism-immunodeficiency-livedo-short stature syndrome. Also called: Facial dysmorphism, immunodeficiency, livedo, and short stature; FILS syndrome. Identifiers: Orphanet 352712, MedGen C3554576, MONDO:0014058, OMIM 615139.
Intrauterine growth retardation, metaphyseal dysplasia, adrenal hypoplasia congenita, genital anomalies, and immunodeficiency. Also called: IMAGEI SYNDROME. Identifiers: MedGen C5193036, MONDO:0032684, OMIM 618336.
Hereditary cancer-predisposing syndrome. Also called: Hereditary neoplastic syndrome; Tumor predisposition; Hereditary Cancer Syndrome; Neoplastic Syndromes, Hereditary. Identifiers: Orphanet 140162, MedGen C0027672, MeSH D009386, MONDO:0015356.

Submissions (9):

Labcorp Genetics (formerly Invitae), Labcorp
Classification: Uncertain significance. Last evaluated: 2026-01-26. Review status: criteria provided, single submitter. Criteria: Invitae Variant Classification Sherloc (09022015). Collection method: clinical testing. Allele origin: germline.
Comment: This sequence change replaces alanine, which is neutral and non-polar, with leucine, which is neutral and non-polar, at codon 1224 of the POLE protein (p.Ala1224Leu). This variant is present in population databases (no rsID available, gnomAD 0.01%). This variant has not been reported in the literature in individuals affected with POLE-related conditions. ClinVar contains an entry for this variant (Variation ID: 220928). An algorithm developed to predict the effect of missense changes on protein structure and function (PolyPhen-2) suggests that this variant is likely to be tolerated. In summary, the available evidence is currently insufficient to determine the role of this variant in disease. Therefore, it has been classified as a Variant of Uncertain Significance.

St. Jude Molecular Pathology, St. Jude Children's Research Hospital
Classification: Uncertain significance for Colorectal cancer, susceptibility to, 12. Last evaluated: 2025-06-17. Review status: criteria provided, single submitter. Criteria: St. Jude Assertion Criteria 2020. Collection method: clinical testing. Allele origin: germline.
Comment: The POLE c.3670_3671delinsTT (p.Ala1224Leu) change results from deletion of GC and insertion of TT to cause the substitution of the arginine residue for an isoleucine residue at codon 1224. This change is absent in gnomAD v2.1.1. Algorithms that predict the impact of sequence changes on splicing indicate that this variant does not affect splicing, and to our knowledge functional studies have not been performed. This variant has not been reported as pathogenic in individuals with POLE-related disease. In summary, the evidence currently available is insufficient to determine the clinical significance of this variant. It has therefore been classified as of uncertain significance.

Women's Health and Genetics/Laboratory Corporation of America, LabCorp
Classification: Uncertain significance. Last evaluated: 2025-02-17. Review status: criteria provided, single submitter. Criteria: LabCorp Variant Classification Summary - May 2015. Collection method: clinical testing. Allele origin: germline.
Comment: Variant summary: POLE c.3670_3671delinsTT (p.Ala1224Leu) results in a non-conservative amino acid change in the encoded protein sequence. Two of three in-silico tools predict a damaging effect of the variant on protein function. This variant represents a multinucleotide variant that includes a cis arrangement of two variants, namely 12-132649801-G-A (GRCh38), NM_006231.4(POLE):c.3671C>T (p.Ala1224Val) and 12-132649802-C-A (GRCh38), NM_006231.4(POLE):c.3670G>T (p.Ala1224Ser) in gnomAD v4. The variant allele was found at a frequency of 0.00018 in 1614096 control chromosomes, predominantly at a frequency of 0.00023 within the non-Finnish European (NFE) subpopulation in the gnomAD v4 database. Although the observed variant frequency within Non-Finnish European control individuals in the gnomAD database is approximately 16 fold of the estimated maximal expected allele frequency for a pathogenic variant in POLE causing an autosomal dominant susceptibility to Colorectal Cancer (1.4e-05), the available data on variant occurrences in the general population are insufficient to allow any conclusion about variant significance in an autosomal recessive (AR) causation (AR-FILS syndrome and AR-IMAGE-I syndrome). To our knowledge, no occurrence of c.3670_3671delinsTT in individuals affected with POLE-associated AD-susceptibility to colorectal cancer/FILS syndrome/IMAGE-I syndrome and no experimental evidence demonstrating its impact on protein function have been reported. The following publication reporting no primary evidence was ascertained in the context of this evaluation (PMID: 31422818). ClinVar contains an entry for this variant (Variation ID: 220928). Based on the evidence outlined above, the variant was classified as uncertain significance.

Ambry Genetics
Classification: Uncertain significance for Hereditary cancer-predisposing syndrome. Last evaluated: 2024-12-06. Review status: criteria provided, single submitter. Criteria: Ambry Variant Classification Scheme 2023. Collection method: clinical testing. Allele origin: germline.
Comment: The c.3670_3671delGCinsTT variant (also known as p.A1224L), located in coding exon 30 of the POLE gene, results from an in-frame deletion of GC and insertion of TT at nucleotide positions 3670 to 3671. This results in the substitution of the alanine residue for a leucine residue at codon 1224, an amino acid with similar properties. This amino acid position is not well conserved in available vertebrate species. In addition, this alteration is predicted to be neutral by in silico analysis (Choi Y et al. PLoS ONE. 2012; 7(10):e46688). Based on the available evidence, the clinical significance of this variant remains unclear.

GeneDx
Classification: Uncertain significance. Last evaluated: 2024-07-09. Review status: criteria provided, single submitter. Criteria: GeneDx Variant Classification Process June 2021. Collection method: clinical testing. Allele origin: germline. Affected: yes.
Comment: In silico analysis indicates that this variant does not alter protein structure/function; Has not been previously published as pathogenic or benign to our knowledge

Department of Pathology and Laboratory Medicine, Sinai Health System
Classification: Uncertain significance for Colorectal cancer, susceptibility to, 12; Facial dysmorphism-immunodeficiency-livedo-short stature syndrome; Intrauterine growth retardation, metaphyseal dysplasia, adrenal hypoplasia congenita, genital anomalies, and immunodeficiency. Last evaluated: 2022-12-22. Review status: criteria provided, single submitter. Criteria: ACMG Guidelines, 2015. Collection method: clinical testing. Allele origin: germline. Affected: yes.

Fulgent Genetics
Classification: Uncertain significance for Colorectal cancer, susceptibility to, 12; Facial dysmorphism-immunodeficiency-livedo-short stature syndrome; Intrauterine growth retardation, metaphyseal dysplasia, adrenal hypoplasia congenita, genital anomalies, and immunodeficiency. Last evaluated: 2022-02-25. Review status: criteria provided, single submitter. Criteria: ACMG Guidelines, 2015. Collection method: clinical testing. Allele origin: unknown.

Quest Diagnostics Nichols Institute San Juan Capistrano
Classification: Uncertain significance. Last evaluated: 2018-10-17. Review status: criteria provided, single submitter. Criteria: Quest Diagnostics criteria. Collection method: clinical testing. Allele origin: germline.

Laboratory for Molecular Medicine, Mass General Brigham Personalized Medicine
Classification: Uncertain significance. Last evaluated: 2017-01-12. Review status: criteria provided, single submitter. Criteria: LMM Criteria. Collection method: clinical testing. Allele origin: germline. Observed: 1 variant allele.
Comment: The p.Ala1224Leu variant in POLE has not been previously reported in individuals with colorectal cancer. This variant is a result of a deletion of 2 nucleotides at positions c.3670 and c.3671 and an insertion of two different nucleotides at these positions and is not predicted to alter the protein reading-frame. This v ariant has been identified in 5/66478 of European chromosomes by the Exome Aggre gation Consortium (ExAC,, note that the ExAC data base reports this variant as 2 separate substitutions in cis, c.3670G>T [rs36933 8222] and c.3671C>T [rs375208564]). Computational prediction tools and conservat ion analysis suggest that the p.Ala1224Leu variant may not impact the protein, t hough this information is not predictive enough to rule out pathogenicity. In su mmary, the clinical significance of the p.Ala1224Leu variant is uncertain.

Literature cited by the submitters: PubMed 31422818 (cited by Women's Health and Genetics/Laboratory Corporation of America, LabCorp).

NM_006231.4(POLE):c.3670_3671delinsTT (p.Ala1224Leu)

Gene: POLE (DNA polymerase epsilon, catalytic subunit; minus strand). Cytogenetic location: 12q24.33.
Variant type: Indel.
Coding change: c.3670_3671delinsTT on transcript NM_006231.4 (MANE Select); coding-DNA positions 3670 to 3671, GC replaced by TT.
Protein change: p.Ala1224Leu; replaces alanine 1224 with leucine.
Molecular consequence: missense variant (on NM_006231.3).
Genome position (GRCh38, 1-based): chr12:132,649,801-132,649,802, GC replaced by AA on the plus strand (GC replaced by TT on the coding strand, the reverse complement: POLE is on the minus strand). VCF-style: chr12-132649801-GC-AA. GRCh37 (hg19) VCF-style: chr12-133226387-GC-AA.
Other names: c.3670_3671delGCinsTT (NM_006231.3); short protein forms A1224L.
Identifiers: ClinVar variation 220928 (VCV000220928.28), dbSNP rs864622698, ClinGen allele CA349668.